The following is an entry in ClinVar:

NM_006133.3(DAGLA):c.2834A>T (p.Asp945Val)

Gene: DAGLA (diacylglycerol lipase alpha; plus strand). Cytogenetic location: 11q12.2.
Variant type: single nucleotide variant.
Coding change: c.2834A>T on transcript NM_006133.3 (MANE Select); coding-DNA position 2834, A replaced by T.
Protein change: p.Asp945Val; replaces aspartic acid 945 with valine.
Molecular consequence: missense variant.
Genome position (GRCh38, 1-based): chr11:61,744,194, A>T. VCF-style: chr11-61744194-A-T. GRCh37 (hg19) VCF-style: chr11-61511666-A-T.
Other names: short protein forms D945V.
Identifiers: ClinVar variation 4528033 (VCV004528033.1).

ClinVar aggregate classification (germline): Uncertain significance (1 of 4 stars; one submission).

Submission:

GeneDx
Classification: Uncertain significance. Last evaluated: 2025-05-03. Review status: criteria provided, single submitter. Criteria: GeneDx Variant Classification Process June 2021. Collection method: clinical testing. Allele origin: germline. Affected: yes.
Comment: Not observed at significant frequency in large population cohorts (gnomAD); In silico analysis suggests that this missense variant does not alter protein structure/function; Has not been previously published as pathogenic or benign to our knowledge